The following is an entry in ClinVar:

NM_000038.6(APC):c.878G>C (p.Ser293Thr)

Gene: APC (APC regulator of Wnt signaling pathway; plus strand). Cytogenetic location: 5q22.2.
Variant type: single nucleotide variant.
Coding change: c.878G>C on transcript NM_000038.6 (MANE Select); coding-DNA position 878, G replaced by C.
Protein change: p.Ser293Thr; replaces serine 293 with threonine.
Molecular consequence: missense variant. On other transcripts: non-coding transcript variant (2).
Genome position (GRCh38, 1-based): chr5:112,815,538, G>C. VCF-style: chr5-112815538-G-C. GRCh37 (hg19) VCF-style: chr5-112151235-G-C.
Other names: c.878G>C (NM_000038.5); c.878G>C, p.Ser293Thr (NM_001127510.3, NM_001354895.2, NM_001354896.2 and 12 more transcripts); c.824G>C, p.Ser275Thr (NM_001127511.3); c.908G>C, p.Ser303Thr (NM_001354897.2, NM_001354902.2, NM_001407446.1); c.803G>C, p.Ser268Thr (NM_001354898.2, NM_001354904.2, NM_001407451.1); c.794G>C, p.Ser265Thr (NM_001354899.2, NM_001407452.1, NM_001407467.1 and 1 more transcripts); c.701G>C, p.Ser234Thr (NM_001354900.2, NM_001354901.2, NM_001354905.2 and 1 more transcripts); c.29G>C, p.Ser10Thr (NM_001354906.2, NM_001407470.1, NM_001407471.1 and 1 more transcripts); short protein forms S10T, S234T, S275T, S293T, S268T, S265T, S303T.
Identifiers: ClinVar variation 2774671 (VCV002774671.3), dbSNP rs1040502776, ClinGen allele CA16023238.
Genomic context (GRCh38, chr5:112,815,538, plus strand): 5'-ATGTGCTTAATTTTTAGGGTTCAACTACACGAATGGACCATGAAACAGCCAGTGTTTTGA[G>C]TTCTAGTAGCACACACTCTGCACCTCGAAGGCTGACAAGTCATCTGGGAACCAAGGTAAC-3'
Protein context (NP_000029.2, residues 283-303): RMDHETASVL[Ser293Thr]SSSTHSAPRR

ClinVar aggregate classification (germline): Uncertain significance. Review status: criteria provided, multiple submitters, no conflicts (2 of 4 stars). 2 submissions from 2 submitters: Uncertain significance (2). Last evaluated 2024-03-10.

Conditions:
Hereditary cancer-predisposing syndrome. Also called: Neoplastic Syndromes, Hereditary; Tumor predisposition; Hereditary Cancer Syndrome; Hereditary neoplastic syndrome. Identifiers: Orphanet 140162, MedGen C0027672, MeSH D009386, MONDO:0015356.

gnomAD v4.1: 2 of 1,612,492 alleles (0.00012%); highest among the groups gnomAD compares: Non-Finnish European, 0.00017%; no homozygotes.

Submissions (2):

Ambry Genetics
Classification: Uncertain significance for Hereditary cancer-predisposing syndrome. Last evaluated: 2024-03-10. Review status: criteria provided, single submitter. Criteria: Ambry Variant Classification Scheme 2023. Collection method: clinical testing. Allele origin: germline.
Comment: The p.S293T variant (also known as c.878G>C), located in coding exon 8 of the APC gene, results from a G to C substitution at nucleotide position 878. The serine at codon 293 is replaced by threonine, an amino acid with similar properties. This amino acid position is conserved. In addition, in silico predictors for this gene do not accurately predict pathogenicity. Based on the available evidence, the clinical significance of this alteration remains unclear.

Color Diagnostics, LLC DBA Color Health
Classification: Uncertain significance for Hereditary cancer-predisposing syndrome. Last evaluated: 2024-03-07. Review status: criteria provided, single submitter. Criteria: ACMG Guidelines, 2015. Collection method: clinical testing. Allele origin: germline.
Comment: This missense variant replaces serine with threonine at codon 293 of the APC protein. Computational prediction suggests that this variant may not impact protein structure and function (internally defined REVEL score threshold <= 0.5, PMID: 27666373). To our knowledge, functional studies have not been reported for this variant. This variant has not been reported in individuals affected with APC-related disorders in the literature. This variant has not been identified in the general population by the Genome Aggregation Database (gnomAD). The available evidence is insufficient to determine the role of this variant in disease conclusively. Therefore, this variant is classified as a Variant of Uncertain Significance.